The following is an entry in ClinVar:

ClinVar aggregate classification (germline): Uncertain significance (1 of 4 stars; one submission).

Submission:

GeneDx
Classification: Uncertain significance. Last evaluated: 2024-07-27. Review status: criteria provided, single submitter. Criteria: GeneDx Variant Classification Process June 2021. Collection method: clinical testing. Allele origin: germline. Affected: yes.
Comment: Not observed at significant frequency in large population cohorts (gnomAD); In silico analysis supports that this missense variant has a deleterious effect on protein structure/function; Has not been previously published as pathogenic or benign to our knowledge

NM_001378414.1(HDAC4):c.232C>T (p.Leu78Phe)

Gene: HDAC4 (histone deacetylase 4; minus strand). Cytogenetic location: 2q37.3.
Variant type: single nucleotide variant.
Coding change: c.232C>T on transcript NM_001378414.1 (MANE Select); coding-DNA position 232, C replaced by T.
Protein change: p.Leu78Phe; replaces leucine 78 with phenylalanine.
Molecular consequence: missense variant.
Genome position (GRCh38, 1-based): chr2:239,189,940, G>A on the plus strand (C>T on the coding strand, the complement: HDAC4 is on the minus strand). VCF-style: chr2-239189940-G-A. GRCh37 (hg19) VCF-style: chr2-240111636-G-A.
Other names: c.232C>T, p.Leu78Phe (NM_001378415.1, NM_001378416.1, NM_001378417.1 and 1 more transcripts); short protein forms L78F.
Identifiers: ClinVar variation 3600607 (VCV003600607.1).